The following is an entry in ClinVar:

ClinVar aggregate classification (germline): Uncertain significance (1 of 4 stars; one submission).

Conditions:
Inborn genetic diseases. Identifiers: MedGen C0950123, MeSH D030342.

Submission:

Ambry Genetics
Classification: Uncertain significance for Inborn genetic diseases. Last evaluated: 2025-03-08. Review status: criteria provided, single submitter. Criteria: Ambry Variant Classification Scheme 2023. Collection method: clinical testing. Allele origin: germline.
Comment: The p.Q35R variant (also known as c.104A>G), located in coding exon 2 of the USB1 gene, results from an A to G substitution at nucleotide position 104. The glutamine at codon 35 is replaced by arginine, an amino acid with highly similar properties. This amino acid position is conserved. In addition, this alteration is predicted to be tolerated by in silico analysis. Based on the available evidence, the clinical significance of this variant remains unclear.

NM_024598.4(USB1):c.104A>G (p.Gln35Arg)

Gene: USB1 (U6 snRNA biogenesis phosphodiesterase 1; plus strand). Cytogenetic location: 16q21.
Variant type: single nucleotide variant.
Coding change: c.104A>G on transcript NM_024598.4 (MANE Select); coding-DNA position 104, A replaced by G.
Protein change: p.Gln35Arg; replaces glutamine 35 with arginine.
Molecular consequence: missense variant. On other transcripts: 5 prime UTR variant (1).
Genome position (GRCh38, 1-based): chr16:58,002,484, A>G. VCF-style: chr16-58002484-A-G. GRCh37 (hg19) VCF-style: chr16-58036388-A-G.
Other names: c.104A>G, p.Gln35Arg (NM_001195302.2, NM_001204911.2, NM_001330569.2); c.-50A>G (NM_001330568.2); short protein forms Q35R.
Identifiers: ClinVar variation 3813916 (VCV003813916.1).